The following is an entry in ClinVar:

NM_001942.4(DSG1):c.2596G>A (p.Glu866Lys)

Genes: DSG1 (desmoglein 1; plus strand), DSG1-AS1 (DSG1 antisense RNA 1; minus strand), LOC126862720 (MED14-independent group 3 enhancer GRCh37_chr18:28933613-28934812; plus strand). Cytogenetic location: 18q12.1.
Variant type: single nucleotide variant.
Coding change: c.2596G>A on transcript NM_001942.4 (MANE Select); coding-DNA position 2596, G replaced by A.
Protein change: p.Glu866Lys; replaces glutamic acid 866 with lysine.
Molecular consequence: missense variant.
Genome position (GRCh38, 1-based): chr18:31,354,792, G>A. VCF-style: chr18-31354792-G-A. GRCh37 (hg19) VCF-style: chr18-28934755-G-A.
Other names: short protein forms E866K.
Identifiers: ClinVar variation 1399956 (VCV001399956.9), dbSNP rs1397362668, ClinGen allele CA402123579.

ClinVar aggregate classification (germline): Uncertain significance (1 of 4 stars; one submission).

Allele frequency attached by ClinVar (database versions not stated): gnomAD exomes below 0.00001; gnomAD 0.00001; TOPMed 0.00002.
gnomAD v4.1: 4 of 1,614,080 alleles (0.00025%); highest among the groups gnomAD compares: African/African-American, 0.0027%; no homozygotes.

Submission:

Labcorp Genetics (formerly Invitae), Labcorp
Classification: Uncertain significance. Last evaluated: 2023-12-07. Review status: criteria provided, single submitter. Criteria: Invitae Variant Classification Sherloc (09022015). Collection method: clinical testing. Allele origin: germline.
Comment: This sequence change replaces glutamic acid, which is acidic and polar, with lysine, which is basic and polar, at codon 866 of the DSG1 protein (p.Glu866Lys). This variant is present in population databases (no rsID available, gnomAD 0.0009%). This variant has not been reported in the literature in individuals affected with DSG1-related conditions. ClinVar contains an entry for this variant (Variation ID: 1399956). An algorithm developed to predict the effect of missense changes on protein structure and function (PolyPhen-2) suggests that this variant is likely to be disruptive. In summary, the available evidence is currently insufficient to determine the role of this variant in disease. Therefore, it has been classified as a Variant of Uncertain Significance.